The following is an entry in ClinVar:

ClinVar aggregate classification (germline): Uncertain significance (1 of 4 stars; one submission).

gnomAD v4.1: 3 of 1,610,208 alleles (0.00019%); highest among the groups gnomAD compares: Non-Finnish European, 0.00025%; no homozygotes.

Submission:

Labcorp Genetics (formerly Invitae), Labcorp
Classification: Uncertain significance. Last evaluated: 2022-11-01. Review status: criteria provided, single submitter. Criteria: Invitae Variant Classification Sherloc (09022015). Collection method: clinical testing. Allele origin: germline.
Comment: This sequence change replaces alanine, which is neutral and non-polar, with valine, which is neutral and non-polar, at codon 2 of the SYNE4 protein (p.Ala2Val). The frequency data for this variant in the population databases is considered unreliable, as metrics indicate poor data quality at this position in the gnomAD database. This variant has not been reported in the literature in individuals affected with SYNE4-related conditions. Advanced modeling of protein sequence and biophysical properties (such as structural, functional, and spatial information, amino acid conservation, physicochemical variation, residue mobility, and thermodynamic stability) has been performed at Invitae for this missense variant, however the output from this modeling did not meet the statistical confidence thresholds required to predict the impact of this variant on SYNE4 protein function. In summary, the available evidence is currently insufficient to determine the role of this variant in disease. Therefore, it has been classified as a Variant of Uncertain Significance.

NM_001039876.3(SYNE4):c.5C>T (p.Ala2Val)

Gene: SYNE4 (spectrin repeat containing nuclear envelope family member 4; minus strand). Cytogenetic location: 19q13.12.
Variant type: single nucleotide variant.
Coding change: c.5C>T on transcript NM_001039876.3 (MANE Select); coding-DNA position 5, C replaced by T.
Protein change: p.Ala2Val; replaces alanine 2 with valine.
Molecular consequence: missense variant.
Genome position (GRCh38, 1-based): chr19:36,008,677, G>A on the plus strand (C>T on the coding strand, the complement: SYNE4 is on the minus strand). VCF-style: chr19-36008677-G-A. GRCh37 (hg19) VCF-style: chr19-36499579-G-A.
Other names: c.5C>T, p.Ala2Val (NM_001297735.3); short protein forms A2V.
Identifiers: ClinVar variation 2063172 (VCV002063172.4), dbSNP rs1230414382, ClinGen allele CA405437402.